The following is an entry in ClinVar:

NM_001853.4(COL9A3):c.1600A>G (p.Ser534Gly)

Genes: COL9A3 (collagen type IX alpha 3 chain; plus strand), LOC126863084 (MED14-independent group 3 enhancer GRCh37_chr20:61467141-61468340; plus strand). Cytogenetic location: 20q13.33.
Variant type: single nucleotide variant.
Coding change: c.1600A>G on transcript NM_001853.4 (MANE Select); coding-DNA position 1600, A replaced by G.
Protein change: p.Ser534Gly; replaces serine 534 with glycine.
Molecular consequence: missense variant.
Genome position (GRCh38, 1-based): chr20:62,836,529, A>G. VCF-style: chr20-62836529-A-G. GRCh37 (hg19) VCF-style: chr20-61467881-A-G.
Other names: c.1600A>G (NM_001853.3); short protein forms S534G.
Identifiers: ClinVar variation 2862835 (VCV002862835.5), dbSNP rs1159482715, ClinGen allele CA409598730.

ClinVar aggregate classification (germline): Uncertain significance. Review status: criteria provided, multiple submitters, no conflicts (2 of 4 stars). 3 submissions from 3 submitters: Uncertain significance (3). Last evaluated 2025-12-17.

Conditions:
Inborn genetic diseases. Identifiers: MedGen C0950123, MeSH D030342.

Allele frequency attached by ClinVar (database versions not stated): gnomAD exomes below 0.00001.
gnomAD v4.1: 1 of 1,610,834 alleles (0.000062%); highest among the groups gnomAD compares: South Asian, 0.0011%; no homozygotes.

Submissions (3):

Labcorp Genetics (formerly Invitae), Labcorp
Classification: Uncertain significance. Last evaluated: 2025-12-17. Review status: criteria provided, single submitter. Criteria: Invitae Variant Classification Sherloc (09022015). Collection method: clinical testing. Allele origin: germline.
Comment: This sequence change replaces serine, which is neutral and polar, with glycine, which is neutral and non-polar, at codon 534 of the COL9A3 protein (p.Ser534Gly). This variant is not present in population databases (gnomAD no frequency). This variant has not been reported in the literature in individuals affected with COL9A3-related conditions. ClinVar contains an entry for this variant (Variation ID: 2862835). Invitae Evidence Modeling of protein sequence and biophysical properties (such as structural, functional, and spatial information, amino acid conservation, physicochemical variation, residue mobility, and thermodynamic stability) indicates that this missense variant is not expected to disrupt COL9A3 protein function with a negative predictive value of 95%. In summary, the available evidence is currently insufficient to determine the role of this variant in disease. Therefore, it has been classified as a Variant of Uncertain Significance.

Ambry Genetics
Classification: Uncertain significance for Inborn genetic diseases. Last evaluated: 2025-03-20. Review status: criteria provided, single submitter. Criteria: Ambry Variant Classification Scheme 2023. Collection method: clinical testing. Allele origin: germline.

Women's Health and Genetics/Laboratory Corporation of America, LabCorp
Classification: Uncertain significance. Last evaluated: 2024-07-16. Review status: criteria provided, single submitter. Criteria: LabCorp Variant Classification Summary - May 2015. Collection method: clinical testing. Allele origin: germline.
Comment: Variant summary: COL9A3 c.1600A>G (p.Ser534Gly) results in a non-conservative amino acid change in the encoded protein sequence. Three of five in-silico tools predict a benign effect of the variant on protein function. The variant was absent in 239338 control chromosomes. The available data on variant occurrences in the general population are insufficient to allow any conclusion about variant significance. To our knowledge, no occurrence of c.1600A>G in individuals affected with Epiphyseal Dysplasia, Multiple, 3 and no experimental evidence demonstrating its impact on protein function have been reported. ClinVar contains an entry for this variant (Variation ID: 2862835). Based on the evidence outlined above, the variant was classified as uncertain significance.